The following is an entry in ClinVar:

NM_001089.3(ABCA3):c.2119C>T (p.Leu707Phe)

Gene: ABCA3 (ATP binding cassette subfamily A member 3; minus strand). Cytogenetic location: 16p13.3.
Variant type: single nucleotide variant.
Coding change: c.2119C>T on transcript NM_001089.3 (MANE Select); coding-DNA position 2119, C replaced by T.
Protein change: p.Leu707Phe; replaces leucine 707 with phenylalanine.
Molecular consequence: missense variant.
Genome position (GRCh38, 1-based): chr16:2,297,473, G>A on the plus strand (C>T on the coding strand, the complement: ABCA3 is on the minus strand). VCF-style: chr16-2297473-G-A. GRCh37 (hg19) VCF-style: chr16-2347474-G-A.
Other names: short protein forms L707F.
Identifiers: ClinVar variation 318496 (VCV000318496.16), dbSNP rs147341939, ClinGen allele CA7840945.

ClinVar aggregate classification (germline): Conflicting classifications of pathogenicity. Review status: criteria provided, conflicting classifications (1 of 4 stars). 4 submissions from 4 submitters: Uncertain significance (1); Likely benign (3). Last evaluated 2026-01-25.

Conditions:
Interstitial lung disease due to ABCA3 deficiency. Also called: PULMONARY ALVEOLAR PROTEINOSIS, CONGENITAL, 3. Identifiers: Orphanet 440402, MedGen C1970456, MONDO:0012582, OMIM 610921.
Hereditary pulmonary alveolar proteinosis. Also called: Pulmonary surfactant metabolism dysfunction. Identifiers: Orphanet 264675, MedGen C3711368, MONDO:0012580.

Allele frequency attached by ClinVar (database versions not stated): gnomAD exomes 0.00028; ExAC 0.00042; 1000 Genomes Project 0.00060; 1000 Genomes Project 30x 0.00062; gnomAD 0.00092; ESP Exome Variant Server 0.00123; TOPMed 0.00142.
gnomAD v4.1: 328 of 1,613,754 alleles (0.02%); highest among the groups gnomAD compares: African/African-American, 0.38%; 2 homozygotes.

Submissions (4):

Labcorp Genetics (formerly Invitae), Labcorp
Classification: Likely benign. Last evaluated: 2026-01-25. Review status: criteria provided, single submitter. Criteria: Invitae Variant Classification Sherloc (09022015). Collection method: clinical testing. Allele origin: germline.

Ambry Genetics
Classification: Uncertain significance for Hereditary pulmonary alveolar proteinosis. Last evaluated: 2025-02-21. Review status: criteria provided, single submitter. Criteria: Ambry Variant Classification Scheme 2023. Collection method: clinical testing. Allele origin: germline.
Comment: The p.L707F variant (also known as c.2119C>T), located in coding exon 14 of the ABCA3 gene, results from a C to T substitution at nucleotide position 2119. The leucine at codon 707 is replaced by phenylalanine, an amino acid with highly similar properties. Based on data from gnomAD, the frequency for this variant is above the maximum credible frequency for a disease-causing variant in this gene based on internally established thresholds (Karczewski et al. Nature. 2020 May;581(7809):434-443; Whiffin et al. Genet Med. 2017 10;19:1151-1158). This amino acid position is highly conserved in available vertebrate species. In addition, this alteration is predicted to be deleterious by in silico analysis. Based on the available evidence, the clinical significance of this variant remains unclear.

Johns Hopkins Genomics, Johns Hopkins University
Classification: Likely benign for Interstitial lung disease due to ABCA3 deficiency. Last evaluated: 2020-06-16. Review status: criteria provided, single submitter. Criteria: ACMG Guidelines, 2015. Collection method: clinical testing. Allele origin: germline.

Illumina Laboratory Services, Illumina
Classification: Likely benign for Interstitial lung disease due to ABCA3 deficiency. Last evaluated: 2018-01-13. Review status: criteria provided, single submitter. Criteria: ICSL Variant Classification Criteria 13 December 2019. Collection method: clinical testing. Allele origin: germline.
Comment: This variant was observed in the ICSL laboratory as part of a predisposition screen in an ostensibly healthy population. It had not been previously curated by ICSL or reported in the Human Gene Mutation Database (HGMD: prior to June 1st, 2018), and was therefore a candidate for classification through an automated scoring system. Utilizing variant allele frequency, disease prevalence and penetrance estimates, and inheritance mode, an automated score was calculated to assess if this variant is too frequent to cause the disease. Based on the score and internal cut-off values, a variant classified as likely benign is not then subjected to further curation. The score for this variant resulted in a classification of likely benign for this disease.

Literature cited by the submitters: PubMed 23166334 (cited by Johns Hopkins Genomics, Johns Hopkins University).